The following is an entry in ClinVar:

NM_001009944.3(PKD1):c.2243C>T (p.Ser748Leu)

Gene: PKD1 (polycystin 1, transient receptor potential channel interacting; minus strand). Cytogenetic location: 16p13.3.
Variant type: single nucleotide variant.
Coding change: c.2243C>T on transcript NM_001009944.3 (MANE Select); coding-DNA position 2243, C replaced by T.
Protein change: p.Ser748Leu; replaces serine 748 with leucine.
Molecular consequence: missense variant.
Genome position (GRCh38, 1-based): chr16:2,114,780, G>A on the plus strand (C>T on the coding strand, the complement: PKD1 is on the minus strand). VCF-style: chr16-2114780-G-A. GRCh37 (hg19) VCF-style: chr16-2164781-G-A.
Other names: c.2243C>T, p.Ser748Leu (NM_000296.4); c.2243C>T (NM_000296.3); short protein forms S748L.
Identifiers: ClinVar variation 1699132 (VCV001699132.6), dbSNP rs761540024, ClinGen allele CA7833250.
Genomic context (GRCh38, chr16:2,114,780, plus strand): 5'-GCACAGGCAGGGCAGGCCCAAGTGCCCTCCAGCTGGGCTGGCAAGTGGGGCAGCCATGAC[G>A]AGGCGTTGGCGGAGAGGTACGGGGCCCGGGGACCAGGGTGGCCGGGAGCCGGCGAGCAGT-3'
Protein context (NP_001009944.3, residues 738-758): PRAPYLSANA[Ser748Leu]SWLPHLPAQL

ClinVar aggregate classification (germline): Uncertain significance. Review status: criteria provided, multiple submitters, no conflicts (2 of 4 stars). 3 submissions from 3 submitters: Uncertain significance (2). 1 of the submissions does not count toward it. Last evaluated 2025-05-14.

Conditions:
Polycystic kidney disease, adult type (PKD1). Also called: Polycystic Kidney Disease 1, Autosomal Dominant; Polycystic kidney disease 1; Polycystic kidney disease 1, severe; Polycystic Kidney, Autosomal Dominant; POLYCYSTIC KIDNEY DISEASE 1 WITH OR WITHOUT POLYCYSTIC LIVER DISEASE; POLYCYSTIC KIDNEY DISEASE, ADULT, TYPE I. Identifiers: MedGen C3149841, MONDO:0008263, OMIM 173900.
PKD1-related disorder. Also called: PKD1-related condition.
Inborn genetic diseases. Identifiers: MedGen C0950123, MeSH D030342.

Allele frequency attached by ClinVar (database versions not stated): gnomAD exomes 0.00002 and 0.00005; gnomAD 0.00003 and 0.00004; TOPMed 0.00003; ExAC 0.00010.

Submissions (3):

Ambry Genetics
Classification: Uncertain significance for Inborn genetic diseases. Last evaluated: 2025-05-14. Review status: criteria provided, single submitter. Criteria: Ambry Variant Classification Scheme 2023. Collection method: clinical testing. Allele origin: germline.

Victorian Clinical Genetics Services, Murdoch Childrens Research Institute
Classification: Uncertain significance for Polycystic kidney disease, adult type. Last evaluated: 2022-02-02. Review status: criteria provided, single submitter. Criteria: ACMG Guidelines, 2015. Collection method: clinical testing. Allele origin: germline. Inheritance: Autosomal dominant inheritance. Affected: yes.
Comment: Based on the classification scheme VCGS_Germline_v1.3.4, this variant is classified as VUS-3B. Following criteria are met: 0102 - Loss of function is a known mechanism of disease in this gene and is associated with polycystic kidney disease (MIM#173900). (I) 0107 - This gene is associated with autosomal dominant disease. Polycystic kidney disease 1 (MIM#173900) is predominantly caused by monoallelic variants, with rare reports of biallelic variants causing disease (OMIM) (I) 0200 - Variant is predicted to result in a missense amino acid change from serine to leucine. (I) 0251 - This variant is heterozygous. (I) 0302 - Variant is present in gnomAD <0.001 for a dominant condition (v2: 6 heterozygotes, 0 homozygotes). (SP) 0502 - Missense variant with conflicting in silico predictions and uninformative conservation. (I) 0600 - Variant is located in the annotated polycystin cation channel domain (NCBI). (I) 0705 - No comparable missense variants have previous evidence for pathogenicity. (I) 0809 - Previous evidence of pathogenicity for this variant is inconclusive. It has been identified in a patient with polycystic kidney disease and classified as likely pathogenic. However, it’s causality was based on in silico tools and grantham distance only (PMID: 27499327). (I) 0905 - No published segregation evidence has been identified for this variant. (I) 1007 - No published functional evidence has been identified for this variant. (I) 1208 - Inheritance information for this variant is not currently available in this individual. (I) Legend: (SP) - Supporting pathogenic, (I) - Information, (SB) - Supporting benign

PreventionGenetics, part of Exact Sciences
Classification: Uncertain significance for PKD1-related condition. Last evaluated: 2024-07-30. Review status: no assertion criteria provided. Collection method: clinical testing. Allele origin: germline. Not counted in ClinVar's aggregate classification.
Comment: The PKD1 c.2243C>T variant is predicted to result in the amino acid substitution p.Ser748Leu. This variant was reported in an individual with polycystic kidney disease, but the available evidence was insufficient to determine the clinical significance (Table S5, Carrera et al. 2016. PubMed ID: 27499327). This variant is reported in 0.019% of alleles in individuals of East Asian descent in gnomAD. At this time, the clinical significance of this variant is uncertain due to the absence of conclusive functional and genetic evidence.

Literature cited by the submitters: PubMed 27499327 (cited by Ambry Genetics and Victorian Clinical Genetics Services, Murdoch Childrens Research Institute); PubMed 37231942 (cited by Ambry Genetics).